The following is an entry in ClinVar:

NC_000016.9:g.(?_81957070)_(81957219_?)del

Gene: PLCG2 (phospholipase C gamma 2; plus strand). Cytogenetic location: 16q23.3.
Variant type: Deletion.
Identifiers: ClinVar variation 2424511 (VCV002424511.4).

ClinVar aggregate classification (germline): Uncertain significance (1 of 4 stars; one submission).

Conditions:
Familial cold autoinflammatory syndrome 3 (FCAS3). Also called: FAMILIAL ATYPICAL COLD URTICARIA; ANTIBODY DEFICIENCY AND IMMUNE DYSREGULATION, PLCG2-ASSOCIATED. Identifiers: Orphanet 300359, MedGen C3280914, MONDO:0013766, OMIM 614468.

Submission:

Labcorp Genetics (formerly Invitae), Labcorp
Classification: Uncertain significance for Familial cold autoinflammatory syndrome 3. Last evaluated: 2021-11-19. Review status: criteria provided, single submitter. Criteria: Invitae Variant Classification Sherloc (09022015). Collection method: clinical testing. Allele origin: germline.
Comment: In summary, the available evidence is currently insufficient to determine the role of this variant in disease. Therefore, it has been classified as a Variant of Uncertain Significance. Experimental studies and prediction algorithms are not available or were not evaluated, and the functional significance of this variant is currently unknown. This variant has not been reported in the literature in individuals affected with PLCG2-related conditions. This variant is a gross deletion of the genomic region encompassing exon(s) 22 of the PLCG2 gene. This deletion is out-of-frame, and is expected to create a premature translational stop signal and result in an absent or disrupted protein product. However, the current clinical and genetic evidence is not sufficient to establish whether loss-of-function variants in PLCG2 cause disease.